The following is an entry in ClinVar:

NM_025114.4(CEP290):c.1742A>C (p.Glu581Ala)

Gene: CEP290 (centrosomal protein 290; minus strand). Cytogenetic location: 12q21.32.
Variant type: single nucleotide variant.
Coding change: c.1742A>C on transcript NM_025114.4 (MANE Select); coding-DNA position 1742, A replaced by C.
Protein change: p.Glu581Ala; replaces glutamic acid 581 with alanine.
Molecular consequence: missense variant.
Genome position (GRCh38, 1-based): chr12:88,117,115, T>G on the plus strand (A>C on the coding strand, the complement: CEP290 is on the minus strand). VCF-style: chr12-88117115-T-G. GRCh37 (hg19) VCF-style: chr12-88510892-T-G.
Other names: c.1742A>C (NM_025114.3); short protein forms E581A.
Identifiers: ClinVar variation 1015401 (VCV001015401.10), dbSNP rs77579747, ClinGen allele CA6712481.
Genomic context (GRCh38, chr12:88,117,115, plus strand): 5'-TTTTTGAGGCTCAATAAATCCAATTTTCTTTCACTTATTCTATCTCCTTGAGAAATGTTT[T>G]CAGTTAGGTTCAGGTCCTCAGTGGTTAATCCTATATATAAGAGAATTAACAAACTAAAAA-3'
Protein context (NP_079390.3, residues 571-591): GLTTEDLNLT[Glu581Ala]NISQGDRISE

ClinVar aggregate classification (germline): Uncertain significance. Review status: criteria provided, multiple submitters, no conflicts (2 of 4 stars). 6 submissions from 6 submitters: Uncertain significance (4). 2 of the submissions do not count toward it. Last evaluated 2024-09-25.

Conditions:
Meckel syndrome, type 4 (MKS4). Also called: MECKEL-GRUBER SYNDROME, TYPE 4. Identifiers: Orphanet 564, MedGen C1970161, MONDO:0012626, OMIM 611134.
Bardet-Biedl syndrome 14 (BBS14). Identifiers: Orphanet 110, MedGen C2673874, MONDO:0014442, OMIM 615991.
Joubert syndrome 5 (JBTS5). Identifiers: Orphanet 2318, MedGen C1857780, MONDO:0012432, OMIM 610188.
Leber congenital amaurosis 10 (LCA10). Identifiers: Orphanet 65, MedGen C1857821, MONDO:0012723, OMIM 611755.
Senior-Loken syndrome 6 (SLSN6). Identifiers: Orphanet 3156, MedGen C1857779, MONDO:0012433, OMIM 610189.
Leber congenital amaurosis (LCA). Also called: Leber's amaurosis. Identifiers: Orphanet 65, MedGen C0339527, MeSH D057130, MONDO:0018998.
Joubert syndrome. Also called: JOUBERT-BOLTSHAUSER SYNDROME; Familial aplasia of the vermis. Identifiers: Orphanet 475, MedGen C5979921, MONDO:0018772.
Nephronophthisis. Also called: Juvenile Nephronophthisis. Identifiers: Orphanet 655, MedGen C0687120, MONDO:0019005, HP:0000090.
Meckel-Gruber syndrome. Also called: DYSENCEPHALIA SPLANCHNOCYSTICA; GRUBER SYNDROME; Dysencephalia splachnocystica. Identifiers: Orphanet 564, MedGen C0265215, MONDO:0018921.
CEP290-related disorder. Also called: CEP290-related condition; CEP290-related disorders. Identifiers: MedGen CN239314.

Allele frequency attached by ClinVar (database versions not stated): gnomAD exomes 0.00001 and 0.00005; ExAC 0.00007; gnomAD 0.00025 and 0.00027; TOPMed 0.00029; 1000 Genomes Project 0.00060; 1000 Genomes Project 30x 0.00094.
gnomAD v4.1: 62 of 1,557,806 alleles (0.004%); highest among the groups gnomAD compares: African/African-American, 0.077%; no homozygotes.

Submissions (6):

GeneDx
Classification: Uncertain significance. Last evaluated: 2024-09-25. Review status: criteria provided, single submitter. Criteria: GeneDx Variant Classification Process June 2021. Collection method: clinical testing. Allele origin: germline. Affected: yes.
Comment: In silico analysis indicates that this missense variant does not alter protein structure/function; Has not been previously published as pathogenic or benign to our knowledge

Fulgent Genetics
Classification: Uncertain significance for Joubert syndrome 5; Senior-Loken syndrome 6; Meckel syndrome, type 4; Leber congenital amaurosis 10; Bardet-Biedl syndrome 14. Last evaluated: 2024-04-23. Review status: criteria provided, single submitter. Criteria: ACMG Guidelines, 2015. Collection method: clinical testing. Allele origin: germline.

Labcorp Genetics (formerly Invitae), Labcorp
Classification: Uncertain significance for Joubert syndrome; Meckel-Gruber syndrome; Nephronophthisis. Last evaluated: 2022-07-14. Review status: criteria provided, single submitter. Criteria: Invitae Variant Classification Sherloc (09022015). Collection method: clinical testing. Allele origin: germline.
Comment: This sequence change replaces glutamic acid, which is acidic and polar, with alanine, which is neutral and non-polar, at codon 581 of the CEP290 protein (p.Glu581Ala). This variant is present in population databases (rs77579747, gnomAD 0.07%). This variant has not been reported in the literature in individuals affected with CEP290-related conditions. ClinVar contains an entry for this variant (Variation ID: 1015401). Algorithms developed to predict the effect of missense changes on protein structure and function (SIFT, PolyPhen-2, Align-GVGD) all suggest that this variant is likely to be tolerated. In summary, the available evidence is currently insufficient to determine the role of this variant in disease. Therefore, it has been classified as a Variant of Uncertain Significance.

Blueprint Genetics
Classification: Uncertain significance. Last evaluated: 2022-05-19. Review status: criteria provided, single submitter. Criteria: ACMG Guidelines, 2015. Collection method: clinical testing. Allele origin: germline.

PreventionGenetics, part of Exact Sciences
Classification: Uncertain significance for CEP290-related condition. Last evaluated: 2024-05-09. Review status: no assertion criteria provided. Collection method: clinical testing. Allele origin: germline. Not counted in ClinVar's aggregate classification.
Comment: The CEP290 c.1742A>C variant is predicted to result in the amino acid substitution p.Glu581Ala. To our knowledge, this variant has not been reported in the literature. This variant is reported in 0.078% of alleles in individuals of African descent in gnomAD, which may be too common to be an undocumented disease causing variant. Although we suspect that this variant may be benign, at this time, the clinical significance of this variant is uncertain due to the absence of conclusive functional and genetic evidence.

Natera, Inc.
Classification: Uncertain significance for Leber congenital amaurosis. Last evaluated: 2020-02-04. Review status: no assertion criteria provided. Collection method: clinical testing. Allele origin: germline. Not counted in ClinVar's aggregate classification.